The following continues an entry in ClinVar:

NM_004415.4(DSP):c.137G>A (p.Gly46Asp)

ClinVar aggregate classification (germline): Conflicting classifications of pathogenicity. Uncertain significance (9); Likely benign (1).

Submissions 8 to 10 of 10:

Fulgent Genetics
Classification: Uncertain significance for Arrhythmogenic cardiomyopathy with wooly hair and keratoderma; Arrhythmogenic right ventricular dysplasia 8; Lethal acantholytic epidermolysis bullosa; Keratosis palmoplantaris striata 2; Cardiomyopathy, dilated, with wooly hair, keratoderma, and tooth agenesis. Last evaluated: 2021-11-11. Review status: criteria provided, single submitter. Criteria: ACMG Guidelines, 2015. Collection method: clinical testing. Allele origin: unknown.

Loeys Lab, Universiteit Antwerpen
Classification: Uncertain significance for Primary dilated cardiomyopathy. Last evaluated: 2021-02-26. Review status: criteria provided, single submitter. Criteria: ACMG Guidelines, 2015. Collection method: clinical testing. Allele origin: somatic. Affected: yes. Observed: 3 variant alleles, 3 heterozygotes.
Comment: This sequence change results in a missense variant in the DSP gene (p.(Gly46Asp)), which is a known mechanism (based on GnomAD constraint matrix 0.916-0,999;PP2). This variant is present in population databases with a prevalence of 5/205620 in GnomAD). This variant has not been reported in the literature and no functional data are available. The variant is classified as Benign by several prediction programs (BP4; Align GVGD: G0; PolyPhen-2HumDiv and HumVar: benign; SIFT: tolerated; Mutation taster: polymorphism). The affected nucleotide is not conserved and the amino acid is weakly conserved. The variant was identified in a family with DCM, however segregation was inconclusive. In conclusion this variant was classified as a variant of unknown significance according to ACMG-guidelines (insufficient data, criteria for other classification are not met: PP2,BP4, BP5).

GeneDx
Classification: Uncertain significance. Last evaluated: 2017-09-08. Review status: criteria provided, single submitter. Criteria: GeneDx Variant Classification (06012015). Collection method: clinical testing. Allele origin: germline. Affected: yes.
Comment: A variant of uncertain significance has been identified in the DSP gene. This variant is also not observed at a significant frequency in large population cohorts (Lek et al., 2016; 1000 Genomes Consortium et al., 2015; Exome Variant Server). The G46D variant is a non-conservative amino acid substitution, which is likely to impact secondary protein structure as these residues differ in polarity, charge, size and/or other properties. Nevertheless, this substitution occurs at a position that is not conserved across species and in silico analysis predicts this variant likely does not alter the protein structure/function.

Literature cited by the submitters: PubMed 26656175 (cited by 4 submitters); PubMed 30847666 (cited by 4 submitters); PubMed 35581137 (cited by All of Us Research Program, National Institutes of Health and Color Diagnostics, LLC DBA Color Health); PubMed 25225338 (cited by Women's Health and Genetics/Laboratory Corporation of America, LabCorp); PubMed 27054166 (cited by Women's Health and Genetics/Laboratory Corporation of America, LabCorp); PubMed 34815391 (cited by Women's Health and Genetics/Laboratory Corporation of America, LabCorp).